The following is an entry in ClinVar:

NM_000038.6(APC):c.3767A>C (p.Gln1256Pro)

Gene: APC (APC regulator of Wnt signaling pathway; plus strand). Cytogenetic location: 5q22.2.
Variant type: single nucleotide variant.
Coding change: c.3767A>C on transcript NM_000038.6 (MANE Select); coding-DNA position 3767, A replaced by C.
Protein change: p.Gln1256Pro; replaces glutamine 1256 with proline.
Molecular consequence: missense variant.
Genome position (GRCh38, 1-based): chr5:112,839,361, A>C. VCF-style: chr5-112839361-A-C. GRCh37 (hg19) VCF-style: chr5-112175058-A-C.
Other names: c.3767A>C, p.Gln1256Pro (NM_001127510.3, NM_001354895.2); c.3713A>C, p.Gln1238Pro (NM_001127511.3); c.3821A>C, p.Gln1274Pro (NM_001354896.2); c.3797A>C, p.Gln1266Pro (NM_001354897.2); c.3692A>C, p.Gln1231Pro (NM_001354898.2); c.3683A>C, p.Gln1228Pro (NM_001354899.2); c.3644A>C, p.Gln1215Pro (NM_001354900.2); c.3590A>C, p.Gln1197Pro (NM_001354901.2); and 6 more; short protein forms Q1130P, Q1197P, Q1215P, Q1231P, Q1238P, Q1256P, Q1155P, Q1266P.
Identifiers: ClinVar variation 1449793 (VCV001449793.7), dbSNP rs2149898594, ClinGen allele CA16029593.

ClinVar aggregate classification (germline): Uncertain significance. Review status: criteria provided, multiple submitters, no conflicts (2 of 4 stars). 2 submissions from 2 submitters: Uncertain significance (2). Last evaluated 2026-07-02.

Conditions:
Hereditary cancer-predisposing syndrome. Also called: Hereditary Cancer Syndrome; Tumor predisposition; Neoplastic Syndromes, Hereditary; Hereditary neoplastic syndrome. Identifiers: Orphanet 140162, MedGen C0027672, MeSH D009386, MONDO:0015356.
Familial adenomatous polyposis 1 (FAP1). Also called: POLYPOSIS, ADENOMATOUS INTESTINAL; FAMILIAL ADENOMATOUS POLYPOSIS 1, ATTENUATED. Identifiers: MedGen C2713442, MONDO:0021056, OMIM 175100. Disease mechanism: loss of function.

gnomAD v4.1: 1 of 1,613,408 alleles (0.000062%); highest among the groups gnomAD compares: South Asian, 0.0011%; no homozygotes.

Submissions (2):

Ambry Genetics
Classification: Uncertain significance for Hereditary cancer-predisposing syndrome. Last evaluated: 2026-07-02. Review status: criteria provided, single submitter. Criteria: Ambry Variant Classification Scheme 2023. Collection method: clinical testing. Allele origin: germline.
Comment: The p.Q1256P variant (also known as c.3767A>C), located in coding exon 15 of the APC gene, results from an A to C substitution at nucleotide position 3767. The glutamine at codon 1256 is replaced by proline, an amino acid with similar properties. This amino acid position is conserved. In addition, in silico predictors for this gene do not accurately predict pathogenicity. Based on the available evidence, the clinical significance of this variant remains unclear.

Labcorp Genetics (formerly Invitae), Labcorp
Classification: Uncertain significance for Familial adenomatous polyposis 1. Last evaluated: 2025-04-01. Review status: criteria provided, single submitter. Criteria: Invitae Variant Classification Sherloc (09022015). Collection method: clinical testing. Allele origin: germline.
Comment: This sequence change replaces glutamine, which is neutral and polar, with proline, which is neutral and non-polar, at codon 1256 of the APC protein (p.Gln1256Pro). This variant is not present in population databases (gnomAD no frequency). This variant has not been reported in the literature in individuals affected with APC-related conditions. ClinVar contains an entry for this variant (Variation ID: 1449793). Invitae Evidence Modeling of protein sequence and biophysical properties (such as structural, functional, and spatial information, amino acid conservation, physicochemical variation, residue mobility, and thermodynamic stability) indicates that this missense variant is not expected to disrupt APC protein function with a negative predictive value of 95%. In summary, the available evidence is currently insufficient to determine the role of this variant in disease. Therefore, it has been classified as a Variant of Uncertain Significance.